The following is an entry in ClinVar:

ClinVar aggregate classification (germline): Pathogenic (1 of 4 stars; one submission).

Conditions:
Alstrom syndrome (ALMS). Identifiers: Orphanet 64, MedGen C0268425, MONDO:0008763, OMIM 203800.

Submission:

Labcorp Genetics (formerly Invitae), Labcorp
Classification: Pathogenic for Alstrom syndrome. Last evaluated: 2020-12-17. Review status: criteria provided, single submitter. Criteria: Invitae Variant Classification Sherloc (09022015). Collection method: clinical testing. Allele origin: germline.
Comment: For these reasons, this variant has been classified as Pathogenic. This variant has not been reported in the literature in individuals with ALMS1-related conditions. This variant is a gross deletion of the genomic region encompassing exon(s) 10-12 of the ALMS1 gene. This deletion is out-of-frame, and is expected to create a premature translational stop signal and result in an absent or disrupted protein product. Loss-of-function variants in ALMS1 are known to be pathogenic (PMID: 17594715).

Literature cited by the submitters: PubMed 17594715.

NC_000002.11:g.(?_73716751)_(73762086_?)del

Gene: ALMS1 (ALMS1 centrosome and basal body associated protein; plus strand). Cytogenetic location: 2p13.1.
Variant type: Deletion.
Identifiers: ClinVar variation 1456466 (VCV001456466.6).